The following is an entry in ClinVar:

NM_000492.4(CFTR):c.992T>A (p.Ile331Asn)

Gene: CFTR (CF transmembrane conductance regulator; plus strand). Cytogenetic location: 7q31.2.
Variant type: single nucleotide variant.
Coding change: c.992T>A on transcript NM_000492.4 (MANE Select); coding-DNA position 992, T replaced by A.
Protein change: p.Ile331Asn; replaces isoleucine 331 with asparagine.
Molecular consequence: missense variant.
Genome position (GRCh38, 1-based): chr7:117,540,222, T>A. VCF-style: chr7-117540222-T-A. GRCh37 (hg19) VCF-style: chr7-117180276-T-A.
Other names: short protein forms I331N.
Identifiers: ClinVar variation 54098 (VCV000054098.9), dbSNP rs397508825, ClinGen allele CA327709.
Genomic context (GRCh38, chr7:117,540,222, plus strand): 5'-TCTTCTCAGGGTTCTTTGTGGTGTTTTTATCTGTGCTTCCCTATGCACTAATCAAAGGAA[T>A]CATCCTCCGGAAAATATTCACCACCATCTCATTCTGCATTGTTCTGCGCATGGCGGTCAC-3'
Protein context (NP_000483.3, residues 321-341): SVLPYALIKG[Ile331Asn]ILRKIFTTIS

ClinVar aggregate classification (germline): Uncertain significance. Review status: criteria provided, multiple submitters, no conflicts (2 of 4 stars). 5 submissions from 5 submitters: Uncertain significance (4). 1 of the submissions does not count toward it. Last evaluated 2025-10-29.

Conditions:
CFTR-related disorder (CFTR-RD). Also called: CFTR-related disorders; CFTR-related condition. Identifiers: MedGen C5924204, MONDO:7770004.
Cystic fibrosis (CF). Also called: MUCOVISCIDOSIS. Identifiers: Orphanet 586, MedGen C0010674, MONDO:0009061, OMIM 219700. Disease mechanism: loss of function.

Allele frequency attached by ClinVar (database versions not stated): gnomAD exomes 0.00001; TOPMed 0.00001; ExAC 0.00001.

Submissions (5):

Ambry Genetics
Classification: Uncertain significance for Cystic fibrosis. Last evaluated: 2025-10-29. Review status: criteria provided, single submitter. Criteria: Ambry Variant Classification Scheme 2023. Collection method: clinical testing. Allele origin: germline.
Comment: The p.I331N variant (also known as c.992T>A), located in coding exon 8 of the CFTR gene, results from a T to A substitution at nucleotide position 992. The isoleucine at codon 331 is replaced by asparagine, an amino acid with dissimilar properties. In an assay testing CFTR function, this variant showed a functionally abnormal result (Bihler H et al. J Cyst Fibros, 2024 Jul;23:664-675). This amino acid position is highly conserved in available vertebrate species. In addition, this alteration is predicted to be deleterious by in silico analysis. Based on the available evidence, the clinical significance of this variant remains unclear.

Genome-Nilou Lab
Classification: Uncertain significance for Cystic fibrosis. Last evaluated: 2021-09-05. Review status: criteria provided, single submitter. Criteria: ACMG Guidelines, 2015. Collection method: clinical testing. Allele origin: germline. Affected: no.

Mendelics
Classification: Uncertain significance for Cystic fibrosis. Last evaluated: 2018-11-05. Review status: criteria provided, single submitter. Criteria: Mendelics Assertion Criteria 2017. Collection method: clinical testing. Allele origin: unknown. Affected: yes.

Women's Health and Genetics/Laboratory Corporation of America, LabCorp
Classification: Uncertain significance. Last evaluated: 2018-10-18. Review status: criteria provided, single submitter. Criteria: LabCorp Variant Classification Summary - May 2015. Collection method: clinical testing. Allele origin: germline.
Comment: Variant summary: CFTR c.992T>A (p.Ile331Asn) results in a non-conservative amino acid change located in the ABC transporter type 1, transmembrane domain (IPR011527) of the encoded protein sequence. Five of five in-silico tools predict a damaging effect of the variant on protein function. The variant allele was found at a frequency of 4.1e-06 in 246048 control chromosomes (gnomAD). The available data on variant occurrences in the general population are insufficient to allow any conclusion about variant significance. To our knowledge, no occurrence of c.992T>A in individuals affected with Cystic Fibrosis and no experimental evidence demonstrating its impact on protein function have been reported. No clinical diagnostic laboratories have submitted clinical-significance assessments for this variant to ClinVar after 2014. Based on the evidence outlined above, the variant was classified as uncertain significance.

Natera, Inc.
Classification: Uncertain significance for CFTR-related disorders. Last evaluated: 2021-02-09. Review status: no assertion criteria provided. Collection method: clinical testing. Allele origin: germline. Not counted in ClinVar's aggregate classification.

Literature cited by the submitters: PubMed 38388235 (cited by Ambry Genetics).